The following is an entry in ClinVar:

ClinVar aggregate classification (germline): Uncertain significance (1 of 4 stars; one submission).

Conditions:
Inborn genetic diseases. Identifiers: MedGen C0950123, MeSH D030342.

Submission:

Ambry Genetics
Classification: Uncertain significance for Inborn genetic diseases. Last evaluated: 2024-03-15. Review status: criteria provided, single submitter. Criteria: Ambry Variant Classification Scheme 2023. Collection method: clinical testing. Allele origin: germline.
Comment: The p.E2512A variant (also known as c.7535A>C), located in coding exon 51 of the LRRK2 gene, results from an A to C substitution at nucleotide position 7535. The glutamic acid at codon 2512 is replaced by alanine, an amino acid with dissimilar properties. This amino acid position is conserved. In addition, this alteration is predicted to be tolerated by in silico analysis. Since supporting evidence is limited at this time, the clinical significance of this alteration remains unclear.

NM_198578.4(LRRK2):c.7535A>C (p.Glu2512Ala)

Gene: LRRK2 (leucine rich repeat kinase 2; plus strand). Cytogenetic location: 12q12.
Variant type: single nucleotide variant.
Coding change: c.7535A>C on transcript NM_198578.4 (MANE Select); coding-DNA position 7535, A replaced by C.
Protein change: p.Glu2512Ala; replaces glutamic acid 2512 with alanine.
Molecular consequence: missense variant.
Genome position (GRCh38, 1-based): chr12:40,367,716, A>C. VCF-style: chr12-40367716-A-C. GRCh37 (hg19) VCF-style: chr12-40761518-A-C.
Other names: short protein forms E2512A.
Identifiers: ClinVar variation 1759399 (VCV001759399.2), dbSNP rs1190091598, ClinGen allele CA384416179.